The following is an entry in ClinVar:

ClinVar aggregate classification (germline): Likely benign. Review status: criteria provided, multiple submitters, no conflicts (2 of 4 stars). 3 submissions from 3 submitters: Likely benign (2). 1 of the submissions does not count toward it. Last evaluated 2025-11-08.

Conditions:
SPP2-related disorder. Also called: SPP2-related condition.

Allele frequency attached by ClinVar (database versions not stated): gnomAD exomes 0.00010 and 0.00025; ExAC 0.00027; ESP Exome Variant Server 0.00077; gnomAD 0.00084 and 0.00091; 1000 Genomes Project 30x 0.00094; TOPMed 0.00097; 1000 Genomes Project 0.00100.
gnomAD v4.1: 273 of 1,612,554 alleles (0.017%); highest among the groups gnomAD compares: African/African-American, 0.25%; 1 homozygote.

Submissions (3):

Labcorp Genetics (formerly Invitae), Labcorp
Classification: Likely benign. Last evaluated: 2025-11-08. Review status: criteria provided, single submitter. Criteria: Invitae Variant Classification Sherloc (09022015). Collection method: clinical testing. Allele origin: germline.

Blueprint Genetics
Classification: Likely benign. Last evaluated: 2024-11-15. Review status: criteria provided, single submitter. Criteria: ACMG Guidelines, 2015. Collection method: clinical testing. Allele origin: germline.

PreventionGenetics, part of Exact Sciences
Classification: Likely benign for SPP2-related condition. Last evaluated: 2024-04-26. Review status: no assertion criteria provided. Collection method: clinical testing. Allele origin: germline. Not counted in ClinVar's aggregate classification.
Comment: This variant is classified as likely benign based on ACMG/AMP sequence variant interpretation guidelines (Richards et al. 2015 PMID: 25741868, with internal and published modifications).

NM_006944.3(SPP2):c.452T>C (p.Phe151Ser)

Gene: SPP2 (secreted phosphoprotein 2; plus strand). Cytogenetic location: 2q37.1.
Variant type: single nucleotide variant.
Coding change: c.452T>C on transcript NM_006944.3 (MANE Select); coding-DNA position 452, T replaced by C.
Protein change: p.Phe151Ser; replaces phenylalanine 151 with serine.
Molecular consequence: missense variant.
Genome position (GRCh38, 1-based): chr2:234,066,540, T>C. VCF-style: chr2-234066540-T-C. GRCh37 (hg19) VCF-style: chr2-234975184-T-C.
Other names: c.452T>C (NM_006944.2); short protein forms F151S.
Identifiers: ClinVar variation 1114155 (VCV001114155.11), dbSNP rs139040392, ClinGen allele CA2183216.
Genomic context (GRCh38, chr2:234,066,540, plus strand): 5'-TCCTTTTTCTTTCTTTCATGTGCTGACACATCCTGATGCCTGAATTTCTTTAGATGATTT[T>C]TGGGGACATGTTGGGATCTCATAAATGGAGAAACAATTATCTATTTGGTAAGTTAAGATC-3'
Protein context (NP_008875.1, residues 141-161): SESYSSEEMI[Phe151Ser]GDMLGSHKWR